The following is an entry in ClinVar:

NM_000179.3(MSH6):c.3983A>G (p.Gln1328Arg)

Gene: MSH6 (mutS homolog 6; plus strand). Cytogenetic location: 2p16.3.
Variant type: single nucleotide variant.
Coding change: c.3983A>G on transcript NM_000179.3 (MANE Select); coding-DNA position 3983, A replaced by G.
Protein change: p.Gln1328Arg; replaces glutamine 1328 with arginine.
Molecular consequence: missense variant.
Genome position (GRCh38, 1-based): chr2:47,806,633, A>G. VCF-style: chr2-47806633-A-G. GRCh37 (hg19) VCF-style: chr2-48033772-A-G.
Other names: p.Q1328R:CAG>CGG; c.3593A>G, p.Gln1198Arg (NM_001281492.2); c.3077A>G, p.Gln1026Arg (NM_001281493.2, NM_001281494.2); short protein forms Q1328R, Q1026R, Q1198R.
Identifiers: ClinVar variation 127597 (VCV000127597.11), dbSNP rs587779940, ClinGen allele CA015017.

ClinVar aggregate classification (germline): Uncertain significance. Review status: criteria provided, multiple submitters, no conflicts (2 of 4 stars). 5 submissions from 5 submitters: Uncertain significance (5). Last evaluated 2024-11-19.

Conditions:
Hereditary nonpolyposis colorectal neoplasms. Identifiers: MedGen C0009405, MeSH D003123.
Hereditary cancer-predisposing syndrome. Also called: Hereditary neoplastic syndrome; Tumor predisposition; Neoplastic Syndromes, Hereditary; Hereditary Cancer Syndrome. Identifiers: Orphanet 140162, MedGen C0027672, MeSH D009386, MONDO:0015356.

Allele frequency attached by ClinVar (database versions not stated): gnomAD 0.00001.
gnomAD v4.1: 2 of 1,611,028 alleles (0.00012%); highest among the groups gnomAD compares: Non-Finnish European, 0.00017%; no homozygotes.

Submissions (5):

Ambry Genetics
Classification: Uncertain significance for Hereditary cancer-predisposing syndrome. Last evaluated: 2024-11-19. Review status: criteria provided, single submitter. Criteria: Ambry Variant Classification Scheme 2023. Collection method: clinical testing. Allele origin: germline.
Comment: The p.Q1328R variant (also known as c.3983A>G), located in coding exon 9 of the MSH6 gene, results from an A to G substitution at nucleotide position 3983. The glutamine at codon 1328 is replaced by arginine, an amino acid with highly similar properties. This amino acid position is not well conserved in available vertebrate species. In addition, this alteration is predicted to be tolerated by in silico analysis. Since supporting evidence is limited at this time, the clinical significance of this alteration remains unclear.

Quest Diagnostics Nichols Institute San Juan Capistrano
Classification: Uncertain significance. Last evaluated: 2024-08-24. Review status: criteria provided, single submitter. Criteria: Quest Diagnostics criteria. Collection method: clinical testing. Allele origin: unknown.
Comment: The MSH6 c.3983A>G (p.Gln1328Arg) variant has been reported in the published literature in an individual with breast cancer (PMID: 33471991 (2021), see also LOVD). The frequency of this variant in the general population, 0.0000066 (1/152166 chromosomes (Genome Aggregation Database)), is uninformative in the assessment of its pathogenicity. Analysis of this variant using bioinformatics tools for the prediction of the effect of amino acid changes on protein structure and function yielded predictions that this variant is benign. Based on the available information, we are unable to determine the clinical significance of this variant.

Blueprint Genetics
Classification: Uncertain significance. Last evaluated: 2024-05-31. Review status: criteria provided, single submitter. Criteria: ACMG Guidelines, 2015. Collection method: clinical testing. Allele origin: germline.

Labcorp Genetics (formerly Invitae), Labcorp
Classification: Uncertain significance for Hereditary nonpolyposis colorectal neoplasms. Last evaluated: 2022-09-08. Review status: criteria provided, single submitter. Criteria: Invitae Variant Classification Sherloc (09022015). Collection method: clinical testing. Allele origin: germline.
Comment: This sequence change replaces glutamine, which is neutral and polar, with arginine, which is basic and polar, at codon 1328 of the MSH6 protein (p.Gln1328Arg). This variant is not present in population databases (gnomAD no frequency). This variant has not been reported in the literature in individuals affected with MSH6-related conditions. ClinVar contains an entry for this variant (Variation ID: 127597). Advanced modeling of protein sequence and biophysical properties (such as structural, functional, and spatial information, amino acid conservation, physicochemical variation, residue mobility, and thermodynamic stability) performed at Invitae indicates that this missense variant is not expected to disrupt MSH6 protein function. In summary, the available evidence is currently insufficient to determine the role of this variant in disease. Therefore, it has been classified as a Variant of Uncertain Significance.

GeneDx
Classification: Uncertain significance. Last evaluated: 2014-02-13. Review status: criteria provided, single submitter. Criteria: GeneDx Variant Classification (06012015). Collection method: clinical testing. Allele origin: germline. Affected: yes.
Comment: This variant is denoted MSH6 c.3983A>G at the cDNA level, p.Gln1328Arg (Q1328R) at the protein level, and results in the change of a Glutamine to an Arginine (CAG>CGG). This variant has not, to our knowledge, been published in the literature as pathogenic or benign. MSH6 Gln1328Arg was not observed in approximately 6,500 individuals of European and African American ancestry in the NHLBI Exome Sequencing Project. This variant is a semi-conservative substitution in which a neutral polar amino acid is replaced with a positive polar one, altering a position that is moderately conserved throughout evolution and is located in within the MutS domain (Terui 2013). In silico analyses predict this variant to have a benign effect on protein structure and function. Based on the currently available information, we consider MSH6 Gln1328Arg to be a variant of uncertain significance.

Literature cited by the submitters: PubMed 33471991 (cited by Quest Diagnostics Nichols Institute San Juan Capistrano).